The following is an entry in ClinVar:

NM_001142864.4(PIEZO1):c.2311G>C (p.Ala771Pro)

Genes: HSALR1 (HSP90AB1 associated lncRNA 1; plus strand), PIEZO1 (piezo type mechanosensitive ion channel component 1 (Er blood group); minus strand). Cytogenetic location: 16q24.3.
Variant type: single nucleotide variant.
Coding change: c.2311G>C on transcript NM_001142864.4 (MANE Select); coding-DNA position 2311, G replaced by C.
Protein change: p.Ala771Pro; replaces alanine 771 with proline.
Molecular consequence: missense variant.
Genome position (GRCh38, 1-based): chr16:88,733,924, C>G on the plus strand (G>C on the coding strand, the complement: PIEZO1 is on the minus strand). VCF-style: chr16-88733924-C-G. GRCh37 (hg19) VCF-style: chr16-88800332-C-G.
Other names: short protein forms A771P.
Identifiers: ClinVar variation 4742039 (VCV004742039.1).

ClinVar aggregate classification (germline): Uncertain significance (1 of 4 stars; one submission).

Submission:

Labcorp Genetics (formerly Invitae), Labcorp
Classification: Uncertain significance. Last evaluated: 2025-06-25. Review status: criteria provided, single submitter. Criteria: Invitae Variant Classification Sherloc (09022015). Collection method: clinical testing. Allele origin: germline.
Comment: This sequence change replaces alanine, which is neutral and non-polar, with proline, which is neutral and non-polar, at codon 771 of the PIEZO1 protein (p.Ala771Pro). This variant is not present in population databases (gnomAD no frequency). This variant has not been reported in the literature in individuals affected with PIEZO1-related conditions. Invitae Evidence Modeling of protein sequence and biophysical properties (such as structural, functional, and spatial information, amino acid conservation, physicochemical variation, residue mobility, and thermodynamic stability) indicates that this missense variant is not expected to disrupt PIEZO1 protein function with a negative predictive value of 80%. In summary, the available evidence is currently insufficient to determine the role of this variant in disease. Therefore, it has been classified as a Variant of Uncertain Significance.